The following is an entry in ClinVar:

NM_000179.3(MSH6):c.3743_3744insT (p.Tyr1249fs)

Gene: MSH6 (mutS homolog 6; plus strand). Cytogenetic location: 2p16.3.
Variant type: Insertion.
Coding change: c.3743_3744insT on transcript NM_000179.3 (MANE Select); coding-DNA positions 3743 to 3744, T inserted.
Protein change: p.Tyr1249fs; shifts the reading frame from tyrosine 1249.
Molecular consequence: frameshift variant.
Genome position: GRCh38 VCF-style: chr2-47806300-A-AT. GRCh37 (hg19) VCF-style: chr2-48033439-A-AT.
Other names: c.3353_3354insT, p.Tyr1119fs (NM_001281492.2); c.2837_2838insT, p.Tyr947fs (NM_001281493.2, NM_001281494.2); short protein forms Y1249fs, Y947fs, Y1119fs.
Identifiers: ClinVar variation 183794 (VCV000183794.27), dbSNP rs786201084, ClinGen allele CA014152.

ClinVar aggregate classification (germline): Pathogenic. Review status: criteria provided, multiple submitters, no conflicts (2 of 4 stars). 11 submissions from 11 submitters: Pathogenic (11). Last evaluated 2026-01-13.

Conditions:
Hereditary cancer-predisposing syndrome. Also called: Tumor predisposition; Hereditary Cancer Syndrome; Hereditary neoplastic syndrome; Neoplastic Syndromes, Hereditary. Identifiers: Orphanet 140162, MedGen C0027672, MeSH D009386, MONDO:0015356.
Endometrial carcinoma. Also called: Endometrial carcinoma, somatic. Identifiers: MedGen C0476089, MONDO:0002447, OMIM 608089, HP:0012114.
Lynch syndrome 5 (LYNCH5). Also called: Colorectal cancer, hereditary nonpolyposis, type 5; Hereditary non-polyposis colorectal cancer, type 5. Identifiers: Orphanet 144, MedGen C1833477, MONDO:0013710, OMIM 614350. Disease mechanism: loss of function.
Mismatch repair cancer syndrome 3. Identifiers: MedGen C5436807, MONDO:0030841, OMIM 619097.
Hereditary nonpolyposis colorectal neoplasms. Identifiers: MedGen C0009405, MeSH D003123.
Lynch syndrome. Identifiers: Orphanet 144, MedGen C4552100, MONDO:0005835. Disease mechanism: loss of function.

Allele frequency attached by ClinVar (database versions not stated): gnomAD exomes below 0.00001.

Submissions (11):

Labcorp Genetics (formerly Invitae), Labcorp
Classification: Pathogenic for Hereditary nonpolyposis colorectal neoplasms. Last evaluated: 2026-01-13. Review status: criteria provided, single submitter. Criteria: Invitae Variant Classification Sherloc (09022015). Collection method: clinical testing. Allele origin: germline.
Comment: This sequence change creates a premature translational stop signal (p.Tyr1249Leufs*26) in the MSH6 gene. It is expected to result in an absent or disrupted protein product. Loss-of-function variants in MSH6 are known to be pathogenic (PMID: 18269114, 24362816). This variant is not present in population databases (gnomAD no frequency). This variant has not been reported in the literature in individuals affected with MSH6-related conditions. Invitae Evidence Modeling of clinical and family history, age, sex, and reported ancestry of multiple individuals with this MSH6 variant has been performed. This variant is expected to be pathogenic with a positive predictive value of at least 99%. This is a validated machine learning model that incorporates the clinical features of 1,627,235 individuals referred to our laboratory for MSH6 testing. ClinVar contains an entry for this variant (Variation ID: 183794). For these reasons, this variant has been classified as Pathogenic.

Color Diagnostics, LLC DBA Color Health
Classification: Pathogenic for Hereditary cancer-predisposing syndrome. Last evaluated: 2024-12-23. Review status: criteria provided, single submitter. Criteria: ACMG Guidelines, 2015. Collection method: clinical testing. Allele origin: germline.
Comment: This variant inserts 1 nucleotide in exon 8 of the MSH6 gene, creating a frameshift and premature translation stop signal. This variant is expected to result in an absent or non-functional protein product. This variant has been reported in individuals affected with colorectal, breast, and endometrial cancers (PMID: 29345684, 30376427, 30980208, 31444830, 31857677). Two individuals affected with colorectal cancer demonstrated microsatellite instability and mismatch repair deficiency via immunohistochemistry (PMID: 30376427), while another individual affected with colorectal cancer had intact MSH6 protein (PMID: 31857677). This variant has not been identified in the general population by the Genome Aggregation Database (gnomAD). Loss of MSH6 function is a known mechanism of disease. Based on the available evidence, this variant is classified as Pathogenic.

Ambry Genetics
Classification: Pathogenic for Hereditary cancer-predisposing syndrome. Last evaluated: 2024-01-23. Review status: criteria provided, single submitter. Criteria: Ambry Variant Classification Scheme 2023. Collection method: clinical testing. Allele origin: germline.
Comment: The c.3743_3744insT pathogenic mutation, located in coding exon 8 of the MSH6 gene, results from an insertion of one nucleotide at position 3743, causing a translational frameshift with a predicted alternate stop codon (p.Y1249Lfs*26). This mutation has been reported in multiple individuals with a personal and/or family history of cancers associated with Lynch syndrome (Espenschied CR et al. J Clin Oncol, 2017 Aug;35:2568-2575; Roberts ME et al. Genet Med, 2018 10;20:1167-1174; Latham A et al. J Clin Oncol, 2019 02;37:286-295; Zhang L et al. Hum Mutat, 2020 01;41:103-109; Hechtman JF et al. Mod Pathol, 2020 05;33:871-879). In addition to the clinical data presented in the literature, this alteration is expected to result in loss of function by premature protein truncation or nonsense-mediated mRNA decay. As such, this alteration is interpreted as a disease-causing mutation.

Department of Pathology and Laboratory Medicine, Sinai Health System
Classification: Pathogenic for Endometrial carcinoma; Lynch syndrome 5; Mismatch repair cancer syndrome 3. Last evaluated: 2023-10-25. Review status: criteria provided, single submitter. Criteria: ACMG Guidelines, 2015. Collection method: clinical testing. Allele origin: germline. Affected: no.

Myriad Genetics, Inc.
Classification: Pathogenic for Lynch syndrome 5. Last evaluated: 2023-08-25. Review status: criteria provided, single submitter. Criteria: Myriad Autosomal Dominant, Autosomal Recessive and X-Linked Classification Criteria (2023). Collection method: clinical testing. Allele origin: unknown.
Comment: This variant is considered pathogenic. This variant creates a frameshift predicted to result in premature protein truncation.

All of Us Research Program, National Institutes of Health
Classification: Pathogenic for Lynch syndrome. Last evaluated: 2023-08-15. Review status: criteria provided, single submitter. Criteria: ACMG Guidelines, 2015. Collection method: clinical testing. Allele origin: germline. Inheritance: Autosomal dominant inheritance. Observed: 1 variant allele, 1 heterozygote.
Comment: This variant inserts 1 nucleotide in exon 8 of the MSH6 gene, creating a frameshift and premature translation stop signal. This variant is expected to result in an absent or non-functional protein product. This variant has been reported in individuals affected with colorectal, breast, and endometrial cancers (PMID: 29345684, 30376427, 30980208, 31444830, 31857677). Two individuals affected with colorectal cancer demonstrated microsatellite instability and mismatch repair deficiency via immunohistochemistry (PMID: 30376427), while another individual affected with colorectal cancer had intact MSH6 protein (PMID: 31857677). This variant has not been identified in the general population by the Genome Aggregation Database (gnomAD). Loss of MSH6 function is a known mechanism of disease. Based on the available evidence, this variant is classified as Pathogenic.

This study involves interpretation of variants in research participants for the purpose of population health screening. Participant phenotype was not available at the time of variant classification. Additional details can be found in publication PMID: 35346344, PMCID: PMC8962531

Quest Diagnostics Nichols Institute San Juan Capistrano
Classification: Pathogenic. Last evaluated: 2022-12-15. Review status: criteria provided, single submitter. Criteria: Quest Diagnostics criteria. Collection method: clinical testing. Allele origin: unknown.
Comment: This frameshift variant alters the translational reading frame of the MSH6 mRNA and causes the premature termination of MSH6 protein synthesis. It has not been reported in large, multi-ethnic general populations. In the published literature, the variant has been reported in individuals with colorectal cancer (PMID: 31857677 (2020), 31444830 (2020)), breast cancer and endometrial cancer (PMID: 29345684 (2018)), and breast cancer (PMID: 30498870 (2019)). Based on the available information, this variant is classified as pathogenic.

Baylor Genetics
Classification: Pathogenic for Endometrial carcinoma. Last evaluated: 2022-11-28. Review status: criteria provided, single submitter. Criteria: ACMG Guidelines, 2015. Collection method: clinical testing. Allele origin: unknown.

Revvity Omics, Revvity
Classification: Pathogenic. Last evaluated: 2022-08-10. Review status: criteria provided, single submitter. Criteria: ACMG Guidelines, 2015. Collection method: clinical testing. Allele origin: germline.

GeneDx
Classification: Pathogenic. Last evaluated: 2017-08-09. Review status: criteria provided, single submitter. Criteria: GeneDx Variant Classification (06012015). Collection method: clinical testing. Allele origin: germline. Affected: yes.
Comment: This insertion of one nucleotide in MSH6 is denoted c.3743_3744insT at the cDNA level and p.Tyr1249LeufsX26 (Y1249LfsX26) at the protein level. The normal sequence, with the base that is inserted in brackets, is CTCA[T]CTAC. The insertion causes a frameshift, which changes a Tyrosine to a Leucine at codon 1249, and creates a premature stop codon at position 26 of the new reading frame. Although this variant has not, to our knowledge, been reported in the literature, it is predicted to cause loss of normal protein function through either protein truncation or nonsense-mediated mRNA decay. we consider this variant to be pathogenic.

Center for Human Genetics, Inc
Classification: Pathogenic for Lynch syndrome 5. Last evaluated: 2016-11-01. Review status: criteria provided, single submitter. Criteria: ACMG Guidelines, 2015. Collection method: clinical testing. Allele origin: germline. Affected: yes.

Literature cited by the submitters: PubMed 18269114 (cited by Labcorp Genetics (formerly Invitae), Labcorp); PubMed 24362816 (cited by Labcorp Genetics (formerly Invitae), Labcorp); PubMed 29345684 (cited by 5 submitters); PubMed 30376427 (cited by 4 submitters); PubMed 30980208 (cited by 5 submitters); PubMed 31444830 (cited by 5 submitters); PubMed 31857677 (cited by 4 submitters); PubMed 28514183 (cited by 3 submitters); PubMed 30498870 (cited by Quest Diagnostics Nichols Institute San Juan Capistrano).